The following is an entry in ClinVar:

NM_005560.6(LAMA5):c.950C>T (p.Pro317Leu)

Gene: LAMA5 (laminin subunit alpha 5; minus strand). Cytogenetic location: 20q13.33.
Variant type: single nucleotide variant.
Coding change: c.950C>T on transcript NM_005560.6 (MANE Select); coding-DNA position 950, C replaced by T.
Protein change: p.Pro317Leu; replaces proline 317 with leucine.
Molecular consequence: missense variant.
Genome position (GRCh38, 1-based): chr20:62,351,710, G>A on the plus strand (C>T on the coding strand, the complement: LAMA5 is on the minus strand). VCF-style: chr20-62351710-G-A. GRCh37 (hg19) VCF-style: chr20-60926766-G-A.
Other names: p.Pro317Leu; short protein forms P317L.
Identifiers: ClinVar variation 781575 (VCV000781575.18), dbSNP rs78026347, ClinGen allele CA9944211.

ClinVar aggregate classification (germline): Benign. Review status: criteria provided, multiple submitters, no conflicts (2 of 4 stars). 4 submissions from 4 submitters: Benign (4). Last evaluated 2026-08-01.

Allele frequency attached by ClinVar (database versions not stated): gnomAD exomes 0.00562 and 0.00634; ExAC 0.00857; 1000 Genomes Project 0.01378; gnomAD 0.01491 and 0.01593; 1000 Genomes Project 30x 0.01499; TOPMed 0.01607; ESP Exome Variant Server 0.01803.
gnomAD v4.1: 10,388 of 1,611,376 alleles (0.64%); highest among the groups gnomAD compares: African/African-American, 4.2%; 103 homozygotes.

Submissions (4):

CeGaT Center for Human Genetics Tuebingen
Classification: Benign. Last evaluated: 2026-08-01. Review status: criteria provided, single submitter. Criteria: CeGaT Center For Human Genetics Tuebingen Variant Classification Criteria Version 2. Collection method: clinical testing. Allele origin: germline. Affected: yes. Observed: 4 variant alleles.
Comment: LAMA5: BP4, BS1, BS2

Labcorp Genetics (formerly Invitae), Labcorp
Classification: Benign. Last evaluated: 2026-01-25. Review status: criteria provided, single submitter. Criteria: Invitae Variant Classification Sherloc (09022015). Collection method: clinical testing. Allele origin: germline.

Mayo Clinic Laboratories, Mayo Clinic
Classification: Benign. Last evaluated: 2023-08-10. Review status: criteria provided, single submitter. Criteria: ACMG Guidelines, 2015. Collection method: clinical testing. Allele origin: germline. Observed: 4 variant alleles.
Comment: BS1, BS2

Breakthrough Genomics
Classification: Benign. Review status: criteria provided, single submitter. Criteria: ACMG Guidelines, 2015. Collection method: not provided. Allele origin: germline. Inheritance: Autosomal recessive inheritance. Affected: yes.